The following is an entry in ClinVar:

ClinVar aggregate classification (germline): Benign. Review status: criteria provided, multiple submitters, no conflicts (2 of 4 stars). 4 submissions from 4 submitters: Benign (3). 1 of the submissions does not count toward it. Last evaluated 2026-02-04.

Conditions:
Ectodermal dysplasia 10A, hypohidrotic/hair/nail type, autosomal dominant (ECTD10A). Also called: Ectodermal Dysplasia 3, Anhidrotic. Identifiers: Orphanet 1810, Orphanet 238468, MedGen C3888065, MONDO:0007509, OMIM 129490.
Autosomal recessive hypohidrotic ectodermal dysplasia syndrome. Also called: Autosomal recessive hypohidrotic ectodermal dysplasia. Identifiers: Orphanet 248, MedGen C0406702, MONDO:0016619.

Submissions (4):

Labcorp Genetics (formerly Invitae), Labcorp
Classification: Benign for Ectodermal dysplasia 10A, hypohidrotic/hair/nail type, autosomal dominant; Autosomal recessive hypohidrotic ectodermal dysplasia syndrome. Last evaluated: 2026-02-04. Review status: criteria provided, single submitter. Criteria: Invitae Variant Classification Sherloc (09022015). Collection method: clinical testing. Allele origin: germline.

GeneDx
Classification: Benign. Last evaluated: 2015-03-03. Review status: criteria provided, single submitter. Criteria: GeneDx Variant Classification Process June 2021. Collection method: clinical testing. Allele origin: germline. Affected: yes.

PreventionGenetics, part of Exact Sciences
Classification: Benign. Review status: criteria provided, single submitter. Criteria: ACMG Guidelines, 2015. Collection method: clinical testing. Allele origin: germline.

Genomic Research Center, Shahid Beheshti University of Medical Sciences
Classification: Uncertain significance. Review status: no assertion criteria provided. Collection method: not provided. Allele origin: somatic. Not counted in ClinVar's aggregate classification.
ClinVar note: Converted during submission from unknown to Uncertain significance.

NM_022336.4(EDAR):c.1024+16del

Genes: EDAR (ectodysplasin A receptor; minus strand), RANBP2 (RAN binding protein 2; plus strand). Cytogenetic location: 2q13.
Variant type: Deletion.
Coding change: c.1024+16del on transcript NM_022336.4 (MANE Select); 16 bases into the intron after coding-DNA position 1024, one base deleted (A; older notation c.1024+16delA).
Molecular consequence: intron variant.
Genome position (GRCh38, 1-based): chr2:108,906,292, T deleted on the plus strand (A on the coding strand, the reverse complement: EDAR is on the minus strand); the first of 8 consecutive T bases (chr2:108,906,292-108,906,299); deleting any one gives the same sequence. VCF-style (leftmost placement, unchanged base first): chr2-108906291-CT-C. GRCh37 (hg19) VCF-style: chr2-109522747-CT-C.
Other names: c.1024+16delA (NM_022336.3).
Identifiers: ClinVar variation 155863 (VCV000155863.14), dbSNP rs3833574, ClinGen allele CA249810.